The following is an entry in ClinVar:

NM_001161352.2(KCNMA1):c.2092+3775G>A

Genes: KCNMA1 (potassium calcium-activated channel subfamily M alpha 1; minus strand), LOC130004139 (ATAC-STARR-seq lymphoblastoid active region 3609; plus strand). Cytogenetic location: 10q22.3.
Variant type: single nucleotide variant.
Coding change: c.2092+3775G>A on transcript NM_001161352.2 (MANE Select); 3775 bases into the intron after coding-DNA position 2092, G replaced by A.
Molecular consequence: intron variant. On other transcripts: synonymous variant (4).
Genome position (GRCh38, 1-based): chr10:77,008,192, C>T on the plus strand (G>A on the coding strand, the complement: KCNMA1 is on the minus strand). VCF-style: chr10-77008192-C-T. GRCh37 (hg19) VCF-style: chr10-78767950-C-T.
Other names: c.2094G>A, p.Leu698= (NM_001271519.2, NM_001322829.2, NM_001322836.2); c.2106G>A, p.Leu702= (NM_001322830.2); c.1942+3775G>A (NM_001271518.2); c.2092+3775G>A (NM_001322832.2, NM_001410940.1, NM_001437423.1 and 2 more transcripts); c.2104+3775G>A (NM_001014797.3, NM_001322835.2, NM_001322837.2); c.1552+3775G>A (NM_001322838.2); c.2224+3775G>A (NM_001437422.1).
Identifiers: ClinVar variation 4872378 (VCV004872378.2).

ClinVar aggregate classification (germline): Likely benign (1 of 4 stars; one submission).

gnomAD v4.1: 1 of 1,535,126 alleles (0.000065%); highest among the groups gnomAD compares: Non-Finnish European, 0.000087%; no homozygotes.

Submission:

CeGaT Center for Human Genetics Tuebingen
Classification: Likely benign. Last evaluated: 2026-05-01. Review status: criteria provided, single submitter. Criteria: CeGaT Center For Human Genetics Tuebingen Variant Classification Criteria Version 2. Collection method: clinical testing. Allele origin: germline. Affected: yes. Observed: 1 variant allele.
Comment: KCNMA1: BP4